The following is an entry in ClinVar:

NM_001754.5(RUNX1):c.*429T>C

Gene: RUNX1 (RUNX family transcription factor 1; minus strand). Cytogenetic location: 21q22.12.
Variant type: single nucleotide variant.
Coding change: c.*429T>C on transcript NM_001754.5 (MANE Select); 429 bases downstream of the stop codon, T replaced by C.
Molecular consequence: 3 prime UTR variant.
Genome position (GRCh38, 1-based): chr21:34,791,706, A>G on the plus strand (T>C on the coding strand, the complement: RUNX1 is on the minus strand). VCF-style: chr21-34791706-A-G. GRCh37 (hg19) VCF-style: chr21-36164003-A-G.
Other names: c.*429T>C (NM_001001890.3).
Identifiers: ClinVar variation 339866 (VCV000339866.6), dbSNP rs533151594, ClinGen allele CA10644642.
Genomic context (GRCh38, chr21:34,791,706, plus strand): 5'-TAAAAATAAGAATTAGATGCCAAACAGGGCGAGTTGCATCCCTCCTCTCCCCCCACCCCA[A>G]CCAAAATTCCACACTCTTTGGAATAAACAACTTGGTTAAAAAGTTAAGTCAAGGGTATAA-3'

ClinVar aggregate classification (germline): Benign. Review status: reviewed by expert panel (3 of 4 stars). 2 submissions from 2 submitters: Benign (1). 1 of the submissions does not count toward it. Last evaluated 2024-06-24.

Conditions:
Hereditary thrombocytopenia and hematologic cancer predisposition syndrome. Identifiers: Orphanet 71290, MedGen CN281654, MONDO:0011071.
Hereditary thrombocytopenia and hematological cancer predisposition syndrome associated with RUNX1. Also called: PLATELET DISORDER, ASPIRIN-LIKE; RUNX1 Familial Platelet Disorder with Associated Myeloid Malignancies; Familial Platelet Disorder with Propensity to Acute Myelogenous Leukemia; Familial thrombocytopenia with propensity to acute myelogenous leukemia. Identifiers: Orphanet 71290, MedGen C1832388, MeSH C563324, MONDO:0100083, OMIM 601399.

Allele frequency attached by ClinVar (database versions not stated): gnomAD 0.00001 and 0.00013; TOPMed 0.00002; gnomAD exomes 0.00003; 1000 Genomes Project 0.00040; 1000 Genomes Project 30x 0.00062.
gnomAD v4.1: 23 of 230,214 alleles (0.01%); highest among the groups gnomAD compares: South Asian, 0.31%; no homozygotes.

Submissions (2):

ClinGen Myeloid Malignancy Variant Curation Expert Panel
Classification: Benign for Hereditary thrombocytopenia and hematologic cancer predisposition syndrome. Last evaluated: 2024-06-24. Review status: reviewed by expert panel. Criteria: ClinGen MyeloMalig ACMG Specifications v2. Collection method: curation. Allele origin: germline. Inheritance: Autosomal dominant inheritance.
Comment: NM_001754.5(RUNX1):c.*429T>C is a 3' UTR variant. MAF 0.003527 (0.35%), 17/4820 alleles) in the South Asian subpopulation of the gnomAD v3.1.2 cohort is ≥ 0.0015 (0.15%). In summary, this variant meets the criteria to be classified as benign. ACMG/AMP criteria applied, as specified by the Myeloid Malignancy Variant Curation Expert Panel for RUNX1: BA1.

Illumina Laboratory Services, Illumina
Classification: Benign for Hereditary thrombocytopenia and hematological cancer predisposition syndrome associated with RUNX1. Last evaluated: 2018-01-13. Review status: criteria provided, single submitter. Criteria: ICSL Variant Classification Criteria 13 December 2019. Collection method: clinical testing. Allele origin: germline. Not counted in ClinVar's aggregate classification.
Comment: This variant was observed in the ICSL laboratory as part of a predisposition screen in an ostensibly healthy population. It had not been previously curated by ICSL or reported in the Human Gene Mutation Database (HGMD: prior to June 1st, 2018), and was therefore a candidate for classification through an automated scoring system. Utilizing variant allele frequency, disease prevalence and penetrance estimates, and inheritance mode, an automated score was calculated to assess if this variant is too frequent to cause the disease. Based on the score and internal cut-off values, a variant classified as benign is not then subjected to further curation. The score for this variant resulted in a classification of benign for this disease.